The following is an entry in ClinVar:

ClinVar aggregate classification (germline): Benign/Likely benign. Review status: criteria provided, multiple submitters, no conflicts (2 of 4 stars). 4 submissions from 4 submitters: Benign (1); Likely benign (3). Last evaluated 2025-12-22.

Conditions:
Hereditary cancer-predisposing syndrome. Also called: Hereditary neoplastic syndrome; Neoplastic Syndromes, Hereditary; Tumor predisposition; Hereditary Cancer Syndrome. Identifiers: Orphanet 140162, MedGen C0027672, MeSH D009386, MONDO:0015356.
Oligodontia-cancer predisposition syndrome. Also called: TOOTH AGENESIS-COLORECTAL CANCER SYNDROME. Identifiers: Orphanet 300576, MedGen C1837750, MONDO:0012075, OMIM 608615. Disease mechanism: loss of function.

gnomAD v4.1: 2 of 1,614,194 alleles (0.00012%); highest among the groups gnomAD compares: Non-Finnish European, 0.00017%; no homozygotes.

Submissions (4):

Labcorp Genetics (formerly Invitae), Labcorp
Classification: Likely benign for Oligodontia-cancer predisposition syndrome. Last evaluated: 2025-12-22. Review status: criteria provided, single submitter. Criteria: Invitae Variant Classification Sherloc (09022015). Collection method: clinical testing. Allele origin: germline.

Quest Diagnostics Nichols Institute San Juan Capistrano
Classification: Likely benign. Last evaluated: 2025-06-11. Review status: criteria provided, single submitter. Criteria: Quest Diagnostics criteria. Collection method: clinical testing. Allele origin: unknown.

Myriad Genetics, Inc.
Classification: Benign for Oligodontia-cancer predisposition syndrome. Last evaluated: 2024-06-27. Review status: criteria provided, single submitter. Criteria: Myriad Autosomal Dominant, Autosomal Recessive and X-Linked Classification Criteria (2023). Collection method: clinical testing. Allele origin: unknown.
Comment: This variant is considered benign. This variant is a silent/synonymous amino acid change and it is not expected to impact splicing.

Ambry Genetics
Classification: Likely benign for Hereditary cancer-predisposing syndrome. Last evaluated: 2019-08-13. Review status: criteria provided, single submitter. Criteria: Ambry Variant Classification Scheme 2023. Collection method: clinical testing. Allele origin: germline.

NM_004655.4(AXIN2):c.621A>G (p.Thr207=)

Gene: AXIN2 (axin 2; minus strand). Cytogenetic location: 17q24.1.
Variant type: single nucleotide variant.
Coding change: c.621A>G on transcript NM_004655.4 (MANE Select); coding-DNA position 621, A replaced by G.
Protein change: p.Thr207=; no amino-acid change (threonine 207 retained).
Molecular consequence: synonymous variant.
Genome position (GRCh38, 1-based): chr17:65,558,000, T>C on the plus strand (A>G on the coding strand, the complement: AXIN2 is on the minus strand). VCF-style: chr17-65558000-T-C. GRCh37 (hg19) VCF-style: chr17-63554118-T-C.
Other names: c.621A>G (LRG_296t1); c.621A>G, p.Thr207= (NM_001363813.1).
Identifiers: ClinVar variation 533249 (VCV000533249.16), dbSNP rs758210481, ClinGen allele CA501691609.